The following is an entry in ClinVar:

ClinVar aggregate classification (germline): Uncertain significance (1 of 4 stars; one submission).

Conditions:
Immunodeficiency 104. Also called: Severe combined immunodeficiency, autosomal recessive, T cell-negative, B cell-positive, NK cell-positive; SCID, AUTOSOMAL RECESSIVE, T CELL-NEGATIVE, B CELL-POSITIVE, NK CELL-POSITIVE; IMMUNODEFICIENCY 104, SEVERE COMBINED; Severe Combined Immune Deficiency, Autosomal Recessive, TCell -Negative, B Cell-Positive, NK Cell-Positive, IL7R-Related. Identifiers: MedGen C5676890, MONDO:0012163, OMIM 608971.

Allele frequency attached by ClinVar (database versions not stated): gnomAD exomes below 0.00001 and 0.00001; gnomAD 0.00001; TOPMed 0.00001.
gnomAD v4.1: 9 of 1,604,320 alleles (0.00056%); highest among the groups gnomAD compares: Non-Finnish European, 0.00076%; no homozygotes.

Submission:

Labcorp Genetics (formerly Invitae), Labcorp
Classification: Uncertain significance for Immunodeficiency 104. Last evaluated: 2024-10-03. Review status: criteria provided, single submitter. Criteria: Invitae Variant Classification Sherloc (09022015). Collection method: clinical testing. Allele origin: germline.
Comment: This sequence change replaces methionine, which is neutral and non-polar, with threonine, which is neutral and polar, at codon 452 of the IL7R protein (p.Met452Thr). This variant is present in population databases (no rsID available, gnomAD 0.0009%). This variant has not been reported in the literature in individuals affected with IL7R-related conditions. ClinVar contains an entry for this variant (Variation ID: 1461649). Invitae Evidence Modeling of protein sequence and biophysical properties (such as structural, functional, and spatial information, amino acid conservation, physicochemical variation, residue mobility, and thermodynamic stability) indicates that this missense variant is expected to disrupt IL7R protein function with a positive predictive value of 95%. In summary, the available evidence is currently insufficient to determine the role of this variant in disease. Therefore, it has been classified as a Variant of Uncertain Significance.

NM_002185.5(IL7R):c.1355T>C (p.Met452Thr)

Gene: IL7R (interleukin 7 receptor; plus strand). Cytogenetic location: 5p13.2.
Variant type: single nucleotide variant.
Coding change: c.1355T>C on transcript NM_002185.5 (MANE Select); coding-DNA position 1355, T replaced by C.
Protein change: p.Met452Thr; replaces methionine 452 with threonine.
Molecular consequence: missense variant. On other transcripts: non-coding transcript variant (1).
Genome position (GRCh38, 1-based): chr5:35,876,461, T>C. VCF-style: chr5-35876461-T-C. GRCh37 (hg19) VCF-style: chr5-35876563-T-C.
Other names: short protein forms M452T.
Identifiers: ClinVar variation 1461649 (VCV001461649.7), dbSNP rs1256864447, ClinGen allele CA359434021.